The following is an entry in ClinVar:

NM_182961.4(SYNE1):c.2392A>C (p.Lys798Gln)

Gene: SYNE1 (spectrin repeat containing nuclear envelope protein 1; minus strand). Cytogenetic location: 6q25.2.
Variant type: single nucleotide variant.
Coding change: c.2392A>C on transcript NM_182961.4 (MANE Select); coding-DNA position 2392, A replaced by C.
Protein change: p.Lys798Gln; replaces lysine 798 with glutamine.
Molecular consequence: missense variant.
Genome position (GRCh38, 1-based): chr6:152,461,599, T>G on the plus strand (A>C on the coding strand, the complement: SYNE1 is on the minus strand). VCF-style: chr6-152461599-T-G. GRCh37 (hg19) VCF-style: chr6-152782734-T-G.
Other names: c.2413A>C, p.Lys805Gln (NM_033071.5); short protein forms K798Q, K805Q.
Identifiers: ClinVar variation 2571992 (VCV002571992.1), dbSNP rs748584976, ClinGen allele CA4059158.

ClinVar aggregate classification (germline): Uncertain significance (1 of 4 stars; one submission).

Allele frequency attached by ClinVar (database versions not stated): TOPMed below 0.00001; gnomAD exomes 0.00001; ExAC 0.00004.
gnomAD v4.1: 15 of 1,614,020 alleles (0.00093%); highest among the groups gnomAD compares: South Asian, 0.014%; no homozygotes.

Submission:

GeneDx
Classification: Uncertain significance. Last evaluated: 2023-01-10. Review status: criteria provided, single submitter. Criteria: GeneDx Variant Classification Process June 2021. Collection method: clinical testing. Allele origin: germline. Affected: yes.
Comment: In silico analysis supports that this missense variant has a deleterious effect on protein structure/function; Has not been previously published as pathogenic or benign to our knowledge